The following is an entry in ClinVar:

NM_001111.5(ADAR):c.1786-1G>C

Gene: ADAR (adenosine deaminase RNA specific; minus strand). Cytogenetic location: 1q21.3.
Variant type: single nucleotide variant.
Coding change: c.1786-1G>C on transcript NM_001111.5 (MANE Select); the canonical splice acceptor site of the intron before coding-DNA position 1786, G replaced by C.
Molecular consequence: splice acceptor variant.
Genome position (GRCh38, 1-based): chr1:154,597,977, C>G on the plus strand (G>C on the coding strand, the complement: ADAR is on the minus strand). VCF-style: chr1-154597977-C-G. GRCh37 (hg19) VCF-style: chr1-154570453-C-G.
Other names: c.901-1G>C (NM_001365046.1, NM_001025107.3, NM_001365048.1 and 3 more transcripts); c.1813-1G>C (NM_001365045.1); c.1786-1G>C (NM_015841.4, NM_015840.4).
Identifiers: ClinVar variation 2006136 (VCV002006136.4), dbSNP rs2526606588, ClinGen allele CA342639043.

ClinVar aggregate classification (germline): Likely pathogenic (1 of 4 stars; one submission).

Conditions:
Symmetrical dyschromatosis of extremities (DSH). Also called: RETICULATE ACROPIGMENTATION OF DOHI; SYMMETRIC DYSCHROMATOSIS OF THE EXTREMITIES; DYSCHROMATOSIS SYMMETRICA HEREDITARIA 1; Dyschromatosis symmetrica hereditaria. Identifiers: Orphanet 41, MedGen C0406775, MONDO:0007483, OMIM 127400.
Aicardi-Goutieres syndrome 6 (AGS6). Identifiers: Orphanet 51, MedGen C3539013, MONDO:0014007, OMIM 615010.

Submission:

Labcorp Genetics (formerly Invitae), Labcorp
Classification: Likely pathogenic for Aicardi-Goutieres syndrome 6; Symmetrical dyschromatosis of extremities. Last evaluated: 2022-10-03. Review status: criteria provided, single submitter. Criteria: Invitae Variant Classification Sherloc (09022015). Collection method: clinical testing. Allele origin: germline.
Comment: In summary, the currently available evidence indicates that the variant is pathogenic, but additional data are needed to prove that conclusively. Therefore, this variant has been classified as Likely Pathogenic. Algorithms developed to predict the effect of sequence changes on RNA splicing suggest that this variant may disrupt the consensus splice site. This variant has not been reported in the literature in individuals affected with ADAR-related conditions. This variant is not present in population databases (gnomAD no frequency). This sequence change affects an acceptor splice site in intron 3 of the ADAR gene. It is expected to disrupt RNA splicing. Variants that disrupt the donor or acceptor splice site typically lead to a loss of protein function (PMID: 16199547), and loss-of-function variants in ADAR are known to be pathogenic (PMID: 22974014).

Literature cited by the submitters: PubMed 16199547; PubMed 22974014.